The following is an entry in ClinVar:

NM_000780.4(CYP7A1):c.1182G>T (p.Met394Ile)

Genes: CYP7A1 (cytochrome P450 family 7 subfamily A member 1; minus strand), LOC126860400 (BRD4-independent group 4 enhancer GRCh37_chr8:59404317-59405516; plus strand). Cytogenetic location: 8q12.1.
Variant type: single nucleotide variant.
Coding change: c.1182G>T on transcript NM_000780.4 (MANE Select); coding-DNA position 1182, G replaced by T.
Protein change: p.Met394Ile; replaces methionine 394 with isoleucine.
Molecular consequence: missense variant.
Genome position (GRCh38, 1-based): chr8:58,492,386, C>A on the plus strand (G>T on the coding strand, the complement: CYP7A1 is on the minus strand). VCF-style: chr8-58492386-C-A. GRCh37 (hg19) VCF-style: chr8-59404945-C-A.
Other names: short protein forms M394I.
Identifiers: ClinVar variation 3615932 (VCV003615932.2).

ClinVar aggregate classification (germline): Uncertain significance (1 of 4 stars; one submission).

gnomAD v4.1: 17 of 1,613,914 alleles (0.0011%); highest among the groups gnomAD compares: Non-Finnish European, 0.0014%; no homozygotes.

Submission:

Labcorp Genetics (formerly Invitae), Labcorp
Classification: Uncertain significance. Last evaluated: 2024-06-24. Review status: criteria provided, single submitter. Criteria: Invitae Variant Classification Sherloc (09022015). Collection method: clinical testing. Allele origin: germline.
Comment: This sequence change replaces methionine, which is neutral and non-polar, with isoleucine, which is neutral and non-polar, at codon 394 of the CYP7A1 protein (p.Met394Ile). This variant is present in population databases (rs750037867, gnomAD 0.002%). This variant has not been reported in the literature in individuals affected with CYP7A1-related conditions. Advanced modeling of protein sequence and biophysical properties (such as structural, functional, and spatial information, amino acid conservation, physicochemical variation, residue mobility, and thermodynamic stability) performed at Invitae indicates that this missense variant is not expected to disrupt CYP7A1 protein function with a negative predictive value of 80%. In summary, the available evidence is currently insufficient to determine the role of this variant in disease. Therefore, it has been classified as a Variant of Uncertain Significance.